The following is an entry in ClinVar:

NM_020822.3(KCNT1):c.3220G>C (p.Glu1074Gln)

Gene: KCNT1 (potassium sodium-activated channel subfamily T member 1; plus strand). Cytogenetic location: 9q34.3.
Variant type: single nucleotide variant.
Coding change: c.3220G>C on transcript NM_020822.3 (MANE Select); coding-DNA position 3220, G replaced by C.
Protein change: p.Glu1074Gln; replaces glutamic acid 1074 with glutamine.
Molecular consequence: missense variant.
Genome position (GRCh38, 1-based): chr9:135,786,239, G>C. VCF-style: chr9-135786239-G-C. GRCh37 (hg19) VCF-style: chr9-138678085-G-C.
Other names: c.3085G>C, p.Glu1029Gln (NM_001272003.2); short protein forms E1029Q, E1074Q.
Identifiers: ClinVar variation 4795713 (VCV004795713.1).

ClinVar aggregate classification (germline): Uncertain significance (1 of 4 stars; one submission).

Submission:

GeneDx
Classification: Uncertain significance. Last evaluated: 2025-08-11. Review status: criteria provided, single submitter. Criteria: GeneDx Variant Classification Process June 2021. Collection method: clinical testing. Allele origin: germline. Affected: yes.
Comment: Not observed at significant frequency in large population cohorts (gnomAD); In silico analysis suggests that this missense variant does not alter protein structure/function; Has not been previously published as pathogenic or benign to our knowledge